The following continues an entry in ClinVar:

NM_000094.4(COL7A1):c.6127G>A (p.Gly2043Arg)

Gene: COL7A1. ClinVar aggregate classification (germline): Pathogenic. Pathogenic (11).

Submissions 10 to 17 of 17:

Kasturba Medical College, Manipal, Kasturba Medical College, Manipal, Manipal Academy of Higher Education, Manipal, India
Classification: Pathogenic for Generalized dominant dystrophic epidermolysis bullosa. Review status: criteria provided, single submitter. Criteria: ACMG Guidelines, 2015. Collection method: research. Allele origin: maternal. Inheritance: Autosomal dominant inheritance. Affected: yes.
Comment: The variant c.6127G>A is absent in gnomAD (v4.1.0) population database and in our in-house data of 3748 exomes. In-silico analysis tools (REVEL, CADD and MutationTaster) predict the variant to be disease-causing and likely to affect the COL7A1 protein function. This variant induces intracytoplasmic accumulation of pro-C7, which hampers secretion of collagen VII (C7) in a dominant-negative fashion (Nishie W, et al., 2014).

Neuberg Centre For Genomic Medicine, NCGM
Classification: Pathogenic for Generalized dominant dystrophic epidermolysis bullosa. Review status: criteria provided, single submitter. Criteria: ACMG Guidelines, 2015. Collection method: clinical testing. Allele origin: germline. Inheritance: Autosomal dominant inheritance. Affected: yes.
Comment: The missense variant p.G2043R in COL7A1 (NM_000094.4) is the most common recurrent variant in the autosomal dominant dystrophic epidermolysis bullosa (Christiano et al, Nishie et al,Vahidnezhad et al). It has been reported to ClinVar as Pathogenic.The p.G2043R variant is novel (not in any individuals) in gnomAD Exomes and is novel (not in any individuals) in 1000 Genomes.The p.G2043R missense variant is predicted to be damaging by both SIFT and PolyPhen2.The glycine residue at codon 2043 of COL7A1 is conserved in all mammalian species. The nucleotide c.6127 in COL7A1 is predicted conserved by GERP++ and PhyloP across 100 vertebrates. For these reasons, this variant has been classified as Pathogenic.

Medical Genetics, Medical University Pleven
Classification: Pathogenic for Recessive dystrophic epidermolysis bullosa. Last evaluated: 2025-10-06. Review status: no assertion criteria provided. Collection method: clinical testing. Allele origin: paternal. Inheritance: Autosomal dominant inheritance. Affected: yes. Observed: 1 heterozygote. Not counted in ClinVar's aggregate classification.
Comment: The variant substitutes a highly conserved glycine residue within the critical Gly-X-Y triple-helical collagenous domain, a well-established disease mechanism in dystrophic epidermolysis bullosa (PVS1-Strong, PM1). Glycine substitutions in this region disrupt triple-helix stability, and multiple pathogenic variants affecting adjacent glycine residues have been previously reported (PM5). The variant is absent or extremely rare in population databases (PM2), has been identified in individuals with dystrophic epidermolysis bullosa (PS4-Supporting), and in silico prediction tools consistently indicate a deleterious effect (PP3). Collectively, these criteria support a pathogenic classification according to ACMG/AMP guidelines.

Zotz-Klimas Genetics Lab, MVZ Zotz Klimas
Classification: Pathogenic for Generalized dominant dystrophic epidermolysis bullosa. Last evaluated: 2023-10-30. Review status: no assertion criteria provided. Collection method: clinical testing. Allele origin: germline. Affected: yes. Not counted in ClinVar's aggregate classification.

OMIM
Classification: Pathogenic for EPIDERMOLYSIS BULLOSA DYSTROPHICA, AUTOSOMAL DOMINANT. Last evaluated: 1998-10-01. Review status: no assertion criteria provided. Collection method: literature only. Allele origin: germline. Not counted in ClinVar's aggregate classification.

Diagnostic Laboratory, Department of Genetics, University Medical Center Groningen
Classification: Pathogenic. Review status: no assertion criteria provided. Collection method: clinical testing. Allele origin: germline. Affected: yes. Study: VKGL Data-share Consensus. Not counted in ClinVar's aggregate classification.

GeneReviews
No classification provided. Condition: Generalized dominant dystrophic epidermolysis bullosa. Review status: no classification provided. Collection method: literature only. Allele origin: germline. Not counted in ClinVar's aggregate classification.

Joint Genome Diagnostic Labs from Nijmegen and Maastricht, Radboudumc and MUMC+
Classification: Pathogenic. Review status: no assertion criteria provided. Collection method: clinical testing. Allele origin: germline. Affected: yes. Study: VKGL Data-share Consensus. Not counted in ClinVar's aggregate classification.

Literature cited by the submitters: PubMed 7861014 (cited by 3 submitters); PubMed 7695699 (cited by Labcorp Genetics (formerly Invitae), Labcorp); PubMed 8218237 (cited by Labcorp Genetics (formerly Invitae), Labcorp); PubMed 19344236 (cited by Labcorp Genetics (formerly Invitae), Labcorp); PubMed 22058051 (cited by Labcorp Genetics (formerly Invitae), Labcorp); PubMed 35979658 (cited by Center for Research in Genodermatoses and Epidermolysis Bullosa, University of Buenos Aires); PubMed 9892921 (cited by 3 submitters); PubMed 24794830 (cited by Women's Health and Genetics/Laboratory Corporation of America, LabCorp and Kasturba Medical College, Manipal, Kasturba Medical College, Manipal, Manipal Academy of Higher Education, Manipal, India); PubMed 28830826 (cited by Women's Health and Genetics/Laboratory Corporation of America, LabCorp); PubMed 26289024 (cited by Medical Genetics, Medical University Pleven).